The following is an entry in ClinVar:

NM_000135.4(FANCA):c.3829-71_3868del

Genes: ZNF276 (zinc finger protein 276; plus strand), FANCA (FA complementation group A; minus strand). Cytogenetic location: 16q24.3.
Variant type: Deletion.
Coding change: c.3829-71_3868del on transcript NM_000135.4 (MANE Select); 71 bases into the intron before coding-DNA position 3829 through coding-DNA position 3868, 111 bases deleted.
Molecular consequence: splice acceptor variant. On other transcripts: 3 prime UTR variant (2), non-coding transcript variant (4).
Genome position (GRCh38, 1-based): chr16:89,740,060-89,740,170, 111 bases deleted. GRCh37 (hg19): chr16:89,806,469-89,806,579.
Other names: c.*1815_*1925del (NM_001113525.2, NM_152287.4); c.3829-71_3868del (NM_001286167.3).
Identifiers: ClinVar variation 2747513 (VCV002747513.3), dbSNP rs2544088436, ClinGen allele CA2697556114.

ClinVar aggregate classification (germline): Likely pathogenic (1 of 4 stars; one submission).

Conditions:
Fanconi anemia (FA). Also called: Fanconi's anemia. Identifiers: Orphanet 84, MedGen C0015625, MeSH D005199, MONDO:0019391.

Submission:

Labcorp Genetics (formerly Invitae), Labcorp
Classification: Likely pathogenic for Fanconi anemia. Last evaluated: 2023-07-28. Review status: criteria provided, single submitter. Criteria: Invitae Variant Classification Sherloc (09022015). Collection method: clinical testing. Allele origin: germline.
Comment: This variant is not present in population databases (gnomAD no frequency). This variant results in the deletion of part of exon 39 (c.3829-71_3868del) of the FANCA gene. It is expected to disrupt RNA splicing. Variants that disrupt the donor or acceptor splice site typically lead to a loss of protein function (PMID: 16199547), and loss-of-function variants in FANCA are known to be pathogenic (PMID: 19367192). This variant has not been reported in the literature in individuals affected with FANCA-related conditions. In summary, the currently available evidence indicates that the variant is pathogenic, but additional data are needed to prove that conclusively. Therefore, this variant has been classified as Likely Pathogenic. Algorithms developed to predict the effect of sequence changes on RNA splicing suggest that this variant may disrupt the consensus splice site.

Literature cited by the submitters: PubMed 16199547; PubMed 19367192.